The following is an entry in ClinVar:

NC_000014.9:g.(?_87968315)_(87968510_?)del

Gene: GALC (galactosylceramidase; minus strand). Cytogenetic location: 14q31.3.
Variant type: Deletion.
Identifiers: ClinVar variation 526829 (VCV000526829.2).

ClinVar aggregate classification (germline): Pathogenic (1 of 4 stars; one submission).

Conditions:
Galactosylceramide beta-galactosidase deficiency. Also called: GALACTOCEREBROSIDASE DEFICIENCY; GALC DEFICIENCY; GLOBOID CELL LEUKOENCEPHALOPATHY; Leukodystrophy, Globoid Cell; Krabbe Disease. Identifiers: Orphanet 487, MedGen C0023521, MONDO:0009499, OMIM 245200.

Submission:

Labcorp Genetics (formerly Invitae), Labcorp
Classification: Pathogenic for Galactosylceramide beta-galactosidase deficiency. Last evaluated: 2019-01-20. Review status: criteria provided, single submitter. Criteria: Invitae Variant Classification Sherloc (09022015). Collection method: clinical testing. Allele origin: germline.
Comment: This variant is an in-frame deletion of the genomic region encompassing exon 8 of the GALC gene. It preserves the integrity of the reading frame. Similar deletions encompassing exon 8 of the GALC have been reported in individuals affected with Krabbe disease (PMID: 22704718, 26795590). A missense variant located in exon 8 of the GALC gene (p.Gly286Asp) has been determined to be pathogenic (PMID: 9272171, 24252386, 10477434, 26865610). This suggests that this region of the GALC protein include residues important for GALC function. For these reasons, this variant has been classified as Pathogenic.

Literature cited by the submitters: PubMed 24252386; PubMed 10477434; PubMed 26865610; PubMed 26795590; PubMed 9272171; PubMed 22704718.